The following is an entry in ClinVar:

NM_001845.6(COL4A1):c.1588C>G (p.Pro530Ala)

Gene: COL4A1 (collagen type IV alpha 1 chain; minus strand). Cytogenetic location: 13q34.
Variant type: single nucleotide variant.
Coding change: c.1588C>G on transcript NM_001845.6 (MANE Select); coding-DNA position 1588, C replaced by G.
Protein change: p.Pro530Ala; replaces proline 530 with alanine.
Molecular consequence: missense variant.
Genome position (GRCh38, 1-based): chr13:110,187,278, G>C on the plus strand (C>G on the coding strand, the complement: COL4A1 is on the minus strand). VCF-style: chr13-110187278-G-C. GRCh37 (hg19) VCF-style: chr13-110839625-G-C.
Other names: short protein forms P530A.
Identifiers: ClinVar variation 1370036 (VCV001370036.8), dbSNP rs145172612, ClinGen allele CA388723137.
Genomic context (GRCh38, chr13:110,187,278, plus strand): 5'-CTGGAAAGCCTGGGTCTCCTTTGTCACCTTTGAGCCGCAAGTCGAAATAAAACTCACCAG[G>C]CTCCCCCTTGGCTCCTGGCTGGCCTATCAGCCCTGGTGTACCTTGAGGGCCCTGTAAGAA-3'
Protein context (NP_001836.3, residues 520-540): LIGQPGAKGE[Pro530Ala]GEFYFDLRLK

ClinVar aggregate classification (germline): Uncertain significance (1 of 4 stars; one submission).

gnomAD v4.1: 2 of 1,613,320 alleles (0.00012%); highest among the groups gnomAD compares: Non-Finnish European, 0.00017%; no homozygotes.

Submission:

Labcorp Genetics (formerly Invitae), Labcorp
Classification: Uncertain significance. Last evaluated: 2021-07-26. Review status: criteria provided, single submitter. Criteria: Invitae Variant Classification Sherloc (09022015). Collection method: clinical testing. Allele origin: germline.
Comment: This variant has not been reported in the literature in individuals affected with COL4A1-related conditions. This variant is not present in population databases (ExAC no frequency). This sequence change replaces proline with alanine at codon 530 of the COL4A1 protein (p.Pro530Ala). The proline residue is highly conserved and there is a small physicochemical difference between proline and alanine. In summary, the available evidence is currently insufficient to determine the role of this variant in disease. Therefore, it has been classified as a Variant of Uncertain Significance. Advanced modeling of protein sequence and biophysical properties (such as structural, functional, and spatial information, amino acid conservation, physicochemical variation, residue mobility, and thermodynamic stability) performed at Invitae indicates that this missense variant is not expected to disrupt COL4A1 protein function.